The following is an entry in ClinVar:

ClinVar aggregate classification (germline): Uncertain significance (1 of 4 stars; one submission).

Submission:

Labcorp Genetics (formerly Invitae), Labcorp
Classification: Uncertain significance. Last evaluated: 2022-10-05. Review status: criteria provided, single submitter. Criteria: Invitae Variant Classification Sherloc (09022015). Collection method: clinical testing. Allele origin: germline.
Comment: In summary, the available evidence is currently insufficient to determine the role of this variant in disease. Therefore, it has been classified as a Variant of Uncertain Significance. Advanced modeling of protein sequence and biophysical properties (such as structural, functional, and spatial information, amino acid conservation, physicochemical variation, residue mobility, and thermodynamic stability) performed at Invitae indicates that this missense variant is not expected to disrupt COL2A1 protein function. ClinVar contains an entry for this variant (Variation ID: 1383062). This variant has not been reported in the literature in individuals affected with COL2A1-related conditions. This variant is not present in population databases (gnomAD no frequency). This sequence change replaces proline, which is neutral and non-polar, with alanine, which is neutral and non-polar, at codon 794 of the COL2A1 protein (p.Pro794Ala).

NM_001844.5(COL2A1):c.2380C>G (p.Pro794Ala)

Gene: COL2A1 (collagen type II alpha 1 chain; minus strand). Cytogenetic location: 12q13.11.
Variant type: single nucleotide variant.
Coding change: c.2380C>G on transcript NM_001844.5 (MANE Select); coding-DNA position 2380, C replaced by G.
Protein change: p.Pro794Ala; replaces proline 794 with alanine.
Molecular consequence: missense variant.
Genome position (GRCh38, 1-based): chr12:47,981,805, G>C on the plus strand (C>G on the coding strand, the complement: COL2A1 is on the minus strand). VCF-style: chr12-47981805-G-C. GRCh37 (hg19) VCF-style: chr12-48375588-G-C.
Other names: c.2173C>G, p.Pro725Ala (NM_033150.3); short protein forms P794A, P725A.
Identifiers: ClinVar variation 1383062 (VCV001383062.8), dbSNP rs1019915024, ClinGen allele CA384545491.